The following is an entry in ClinVar:

ClinVar aggregate classification (germline): Conflicting classifications of pathogenicity. Review status: criteria provided, conflicting classifications (1 of 4 stars). 14 submissions from 12 submitters: Uncertain significance (10); Likely benign (1). 3 of the submissions do not count toward it. Last evaluated 2026-01-27.

Conditions:
Cardiovascular phenotype. Identifiers: MedGen CN230736.
Ehlers-Danlos syndrome, arthrochalasia type. Also called: Ehlers-Danlos syndrome, arthrochalasis type; Ehlers-Danlos syndrome, arthrochalasia type, 1; ARTHROCHALASIS MULTIPLEX CONGENITA; EDS VII, MUTANT PROCOLLAGEN TYPE; EDS VIIA. Identifiers: Orphanet 1899, Orphanet 99875, Orphanet 99876, MedGen C4551623, MONDO:0007525, OMIM 130060.
Infantile cortical hyperostosis. Also called: Hyperostosis, Cortical, Congenital; Caffey Disease; P1PK BLOOD GROUP SYSTEM, P(2) PHENOTYPE. Identifiers: Orphanet 1310, MedGen C0020497, MONDO:0007244, OMIM 114000.
Osteogenesis imperfecta (OI). Identifiers: Orphanet 666, MedGen C0029434, MeSH D010013, MONDO:0019019.
Osteogenesis imperfecta type I (OI1). Also called: Osteogenesis imperfecta type 1; Lobstein's Disease; Classic Non-deforming Osteogenesis Imperfecta with Blue Sclerae; OI, TYPE I; OSTEOGENESIS IMPERFECTA TARDA; OSTEOGENESIS IMPERFECTA WITH BLUE SCLERAE. Identifiers: Orphanet 216796, Orphanet 666, MedGen C0023931, MONDO:0008146, OMIM 166200. Disease mechanism: loss of function.

Allele frequency attached by ClinVar (database versions not stated): ExAC 0.00003; TOPMed 0.00005; gnomAD 0.00006; ESP Exome Variant Server 0.00008; gnomAD exomes 0.00002.
gnomAD v4.1: 125 of 1,586,252 alleles (0.0079%); highest among the groups gnomAD compares: Middle Eastern, 0.017%; no homozygotes.

Submissions (14):

Labcorp Genetics (formerly Invitae), Labcorp
Classification: Uncertain significance for Osteogenesis imperfecta type I. Last evaluated: 2026-01-27. Review status: criteria provided, single submitter. Criteria: Invitae Variant Classification Sherloc (09022015). Collection method: clinical testing. Allele origin: germline.
Comment: This sequence change replaces aspartic acid, which is acidic and polar, with asparagine, which is neutral and polar, at codon 706 of the COL1A1 protein (p.Asp706Asn). The frequency data for this variant in the population databases is considered unreliable, as metrics indicate poor data quality at this position in the gnomAD database. This missense change has been observed in individual(s) with clinical features of Ehlers-Danlos syndrome (internal data). It has also been observed to segregate with disease in related individuals. ClinVar contains an entry for this variant (Variation ID: 285239). Invitae Evidence Modeling of protein sequence and biophysical properties (such as structural, functional, and spatial information, amino acid conservation, physicochemical variation, residue mobility, and thermodynamic stability) has been performed for this missense variant. However, the output from this modeling did not meet the statistical confidence thresholds required to predict the impact of this variant on COL1A1 protein function. In summary, the available evidence is currently insufficient to determine the role of this variant in disease. Therefore, it has been classified as a Variant of Uncertain Significance.

CeGaT Center for Human Genetics Tuebingen
Classification: Uncertain significance. Last evaluated: 2025-03-01. Review status: criteria provided, single submitter. Criteria: CeGaT Center For Human Genetics Tuebingen Variant Classification Criteria Version 2. Collection method: clinical testing. Allele origin: germline. Affected: yes. Observed: 6 variant alleles.

Ambry Genetics
Classification: Uncertain significance for Cardiovascular phenotype. Last evaluated: 2024-11-01. Review status: criteria provided, single submitter. Criteria: Ambry Variant Classification Scheme 2023. Collection method: clinical testing. Allele origin: germline.
Comment: The p.D706N variant (also known as c.2116G>A), located in coding exon 31 of the COL1A1 gene, results from a G to A substitution at nucleotide position 2116. The aspartic acid at codon 706 is replaced by asparagine, an amino acid with highly similar properties. This amino acid position is highly conserved in available vertebrate species. In addition, the in silico prediction for this alteration is inconclusive. Since supporting evidence is limited at this time, the clinical significance of this alteration remains unclear.

GeneDx
Classification: Uncertain significance. Last evaluated: 2024-09-04. Review status: criteria provided, single submitter. Criteria: GeneDx Variant Classification Process June 2021. Collection method: clinical testing. Allele origin: germline. Affected: yes.
Comment: Has not been previously published as pathogenic or benign to our knowledge; In silico analysis supports that this missense variant has a deleterious effect on protein structure/function; Occurs in the triple helical domain at the Y position in the canonical Gly-X-Y repeat; although this variant may have an effect on normal protein folding and function, missense substitution at the Y position is not a common mechanism of disease (HGMD)

Blueprint Genetics
Classification: Likely benign. Last evaluated: 2024-07-15. Review status: criteria provided, single submitter. Criteria: ACMG Guidelines, 2015. Collection method: clinical testing. Allele origin: germline.

Clinical Genetics Laboratory, Skane University Hospital Lund
Classification: Uncertain significance. Last evaluated: 2023-04-17. Review status: criteria provided, single submitter. Criteria: ACMG Guidelines, 2015. Collection method: clinical testing. Allele origin: germline. Affected: yes.

Revvity Omics, Revvity
Classification: Uncertain significance. Last evaluated: 2023-01-02. Review status: criteria provided, single submitter. Criteria: ACMG Guidelines, 2015. Collection method: clinical testing. Allele origin: germline.

Illumina Laboratory Services, Illumina
Classification: Uncertain significance for Infantile cortical hyperostosis. Last evaluated: 2018-01-13. Review status: criteria provided, single submitter. Criteria: ICSL Variant Classification Criteria 13 December 2019. Collection method: clinical testing. Allele origin: germline.

Illumina Laboratory Services, Illumina
Classification: Uncertain significance for Osteogenesis imperfecta. Last evaluated: 2018-01-13. Review status: criteria provided, single submitter. Criteria: ICSL Variant Classification Criteria 13 December 2019. Collection method: clinical testing. Allele origin: germline.

Illumina Laboratory Services, Illumina
Classification: Uncertain significance for Ehlers-Danlos syndrome, arthrochalasia type. Last evaluated: 2018-01-13. Review status: criteria provided, single submitter. Criteria: ICSL Variant Classification Criteria 13 December 2019. Collection method: clinical testing. Allele origin: germline.

Eurofins Ntd Llc (ga)
Classification: Uncertain significance. Last evaluated: 2015-12-14. Review status: criteria provided, single submitter. Criteria: EGL Classification Definitions 2015. Collection method: clinical testing. Allele origin: germline. Observed: 1 variant allele, 1 heterozygote.

Clinical Genetics DNA and cytogenetics Diagnostics Lab, Erasmus MC, Erasmus Medical Center
Classification: Uncertain significance. Review status: no assertion criteria provided. Collection method: clinical testing. Allele origin: germline. Affected: yes. Study: VKGL Data-share Consensus. Not counted in ClinVar's aggregate classification.

Joint Genome Diagnostic Labs from Nijmegen and Maastricht, Radboudumc and MUMC+
Classification: Uncertain significance. Review status: no assertion criteria provided. Collection method: clinical testing. Allele origin: germline. Affected: yes. Study: VKGL Data-share Consensus. Not counted in ClinVar's aggregate classification.

Laboratory of Diagnostic Genome Analysis, Leiden University Medical Center (LUMC)
Classification: Uncertain significance. Review status: no assertion criteria provided. Collection method: clinical testing. Allele origin: germline. Affected: yes. Study: VKGL Data-share Consensus. Not counted in ClinVar's aggregate classification.

NM_000088.4(COL1A1):c.2116G>A (p.Asp706Asn)

Gene: COL1A1 (collagen type I alpha 1 chain; minus strand). Cytogenetic location: 17q21.33.
Variant type: single nucleotide variant.
Coding change: c.2116G>A on transcript NM_000088.4 (MANE Select); coding-DNA position 2116, G replaced by A.
Protein change: p.Asp706Asn; replaces aspartic acid 706 with asparagine.
Molecular consequence: missense variant.
Genome position (GRCh38, 1-based): chr17:50,191,799, C>T on the plus strand (G>A on the coding strand, the complement: COL1A1 is on the minus strand). VCF-style: chr17-50191799-C-T. GRCh37 (hg19) VCF-style: chr17-48269160-C-T.
Other names: short protein forms D706N.
Identifiers: ClinVar variation 285239 (VCV000285239.74), dbSNP rs372215246, ClinGen allele CA8644931.